The following is an entry in ClinVar:

ClinVar aggregate classification (germline): Uncertain significance. Review status: criteria provided, single submitter (1 of 4 stars). 2 submissions from 2 submitters: Uncertain significance (1). 1 of the submissions does not count toward it. Last evaluated 2023-06-18.

Conditions:
HCN1-related disorder. Also called: HCN1-related disorders; HCN1-related condition.
Early-infantile DEE. Also called: Ohtahara syndrome; Early infantile epileptic encephalopathy; Early infantile epileptic encephalopathy with suppression bursts. Identifiers: Orphanet 1934, MedGen C0393706, MONDO:0800491.

Submissions (2):

Labcorp Genetics (formerly Invitae), Labcorp
Classification: Uncertain significance for Early-infantile DEE. Last evaluated: 2023-06-18. Review status: criteria provided, single submitter. Criteria: Invitae Variant Classification Sherloc (09022015). Collection method: clinical testing. Allele origin: germline.
Comment: In summary, the available evidence is currently insufficient to determine the role of this variant in disease. Therefore, it has been classified as a Variant of Uncertain Significance. Advanced modeling of protein sequence and biophysical properties (such as structural, functional, and spatial information, amino acid conservation, physicochemical variation, residue mobility, and thermodynamic stability) performed at Invitae indicates that this missense variant is expected to disrupt HCN1 protein function. This variant has not been reported in the literature in individuals affected with HCN1-related conditions. This variant is not present in population databases (gnomAD no frequency). This sequence change replaces asparagine, which is neutral and polar, with histidine, which is basic and polar, at codon 193 of the HCN1 protein (p.Asn193His).

PreventionGenetics, part of Exact Sciences
Classification: Uncertain significance for HCN1-related condition. Last evaluated: 2024-08-09. Review status: no assertion criteria provided. Collection method: clinical testing. Allele origin: germline. Not counted in ClinVar's aggregate classification.
Comment: The HCN1 c.577A>C variant is predicted to result in the amino acid substitution p.Asn193His. To our knowledge, this variant has not been reported in the literature or in a large population database, indicating this variant is rare. At this time, the clinical significance of this variant is uncertain due to the absence of conclusive functional and genetic evidence.

NM_021072.4(HCN1):c.577A>C (p.Asn193His)

Gene: HCN1 (hyperpolarization activated cyclic nucleotide gated potassium channel 1; minus strand). Cytogenetic location: 5p12.
Variant type: single nucleotide variant.
Coding change: c.577A>C on transcript NM_021072.4 (MANE Select); coding-DNA position 577, A replaced by C.
Protein change: p.Asn193His; replaces asparagine 193 with histidine.
Molecular consequence: missense variant.
Genome position (GRCh38, 1-based): chr5:45,645,457, T>G on the plus strand (A>C on the coding strand, the complement: HCN1 is on the minus strand). VCF-style: chr5-45645457-T-G. GRCh37 (hg19) VCF-style: chr5-45645559-T-G.
Other names: c.577A>C (NM_021072.3); short protein forms N193H.
Identifiers: ClinVar variation 2864827 (VCV002864827.4), dbSNP rs2478543700, ClinGen allele CA359707603.